The following is an entry in ClinVar:

NM_015346.4(ZFYVE26):c.529G>T (p.Glu177Ter)

Gene: ZFYVE26 (zinc finger FYVE-type containing 26; minus strand). Cytogenetic location: 14q24.1.
Variant type: single nucleotide variant.
Coding change: c.529G>T on transcript NM_015346.4 (MANE Select); coding-DNA position 529, G replaced by T.
Protein change: p.Glu177Ter; replaces glutamic acid 177 with a stop codon.
Molecular consequence: nonsense.
Genome position (GRCh38, 1-based): chr14:67,807,755, C>A on the plus strand (G>T on the coding strand, the complement: ZFYVE26 is on the minus strand). VCF-style: chr14-67807755-C-A. GRCh37 (hg19) VCF-style: chr14-68274472-C-A.
Other names: short protein forms E177*.
Identifiers: ClinVar variation 835839 (VCV000835839.8), dbSNP rs2040215878, ClinGen allele CA390161977.

ClinVar aggregate classification (germline): Pathogenic. Review status: criteria provided, multiple submitters, no conflicts (2 of 4 stars). 2 submissions from 2 submitters: Pathogenic (2). Last evaluated 2023-10-07.

Conditions:
Hereditary spastic paraplegia 15 (SPG15). Also called: SPASTIC PARAPLEGIA 15, AUTOSOMAL RECESSIVE; KJELLIN SYNDROME; SPASTIC PARAPLEGIA AND RETINAL DEGENERATION. Identifiers: Orphanet 100996, MedGen C1849128, MONDO:0010044, OMIM 270700.
Spastic paraplegia. Identifiers: MedGen C0037772, HP:0001258.

Submissions (2):

Myriad Genetics, Inc.
Classification: Pathogenic for Hereditary spastic paraplegia 15. Last evaluated: 2023-10-07. Review status: criteria provided, single submitter. Criteria: Myriad Autosomal Dominant, Autosomal Recessive and X-Linked Classification Criteria (2023). Collection method: clinical testing. Allele origin: unknown.
Comment: NM_015346.3(ZFYVE26):c.529G>T(E177*) is expected to be pathogenic in the context of spastic paraplegia type 15. This variant is predicted to lead to an abnormal or absent protein product due to the creation of a premature termination codon in ZFYVE26, a gene where loss-of-function variants are known to be pathogenic. Please note: this variant was assessed in the context of healthy population screening.

Labcorp Genetics (formerly Invitae), Labcorp
Classification: Pathogenic for Spastic paraplegia. Last evaluated: 2019-03-20. Review status: criteria provided, single submitter. Criteria: Invitae Variant Classification Sherloc (09022015). Collection method: clinical testing. Allele origin: germline.
Comment: For these reasons, this variant has been classified as Pathogenic. Loss-of-function variants in ZFYVE26 are known to be pathogenic (PMID: 18394578, 19805727). This variant has not been reported in the literature in individuals with ZFYVE26-related conditions. This variant is not present in population databases (ExAC no frequency). This sequence change creates a premature translational stop signal (p.Glu177*) in the ZFYVE26 gene. It is expected to result in an absent or disrupted protein product.

Literature cited by the submitters: PubMed 18394578 (cited by Labcorp Genetics (formerly Invitae), Labcorp); PubMed 19805727 (cited by Labcorp Genetics (formerly Invitae), Labcorp).